The following is an entry in ClinVar:

NM_017514.5(PLXNA3):c.3256C>G (p.Leu1086Val)

Gene: PLXNA3 (plexin A3; plus strand). Cytogenetic location: Xq28.
Variant type: single nucleotide variant.
Coding change: c.3256C>G on transcript NM_017514.5 (MANE Select); coding-DNA position 3256, C replaced by G.
Protein change: p.Leu1086Val; replaces leucine 1086 with valine.
Molecular consequence: missense variant.
Genome position (GRCh38, 1-based): chrX:154,467,286, C>G. VCF-style: chrX-154467286-C-G. GRCh37 (hg19) VCF-style: chrX-153695629-C-G.
Other names: c.3256C>G (NM_017514.4); short protein forms L1086V.
Identifiers: ClinVar variation 982052 (VCV000982052.3), dbSNP rs2069103152, ClinGen allele CA415244693.
Genomic context (GRCh38, chrX:154,467,286, plus strand): 5'-CCACAGACATGCCAAGTGATCAACGACACTGCCATGCTGTGTAAGGCCCCCGGCATCTTT[C>G]TTGGGCGGCCCCAGCCTCGGGCGCAAGGCGAGCACCCTGATGAGTTTGGCTTCCTGCTGG-3'
Protein context (NP_059984.3, residues 1076-1096): AMLCKAPGIF[Leu1086Val]GRPQPRAQGE

ClinVar aggregate classification (germline): Uncertain significance. Review status: criteria provided, multiple submitters, no conflicts (2 of 4 stars). 2 submissions from 2 submitters: Uncertain significance (2). Last evaluated 2025-11-17.

Conditions:
PLXNA3-related disorder. Also called: PLXNA3-related condition.
Hypogonadotropic hypogonadism. Also called: Low gonadotropins (secondary hypogonadism); Hypogonadotrophic hypogonadism; Isolated hypogonadotropic hypogonadism; Hypogonadotropic hypogonadism with or without anosmia. Identifiers: Orphanet 432, MedGen C0271623, MONDO:0018555, HP:0000044.

Submissions (2):

PreventionGenetics, part of Exact Sciences
Classification: Uncertain significance for PLXNA3-related condition. Last evaluated: 2025-11-17. Review status: criteria provided, single submitter. Criteria: ACMG Guidelines, 2015. Collection method: clinical testing. Allele origin: germline.
Comment: The PLXNA3 c.3256C>G variant is predicted to result in the amino acid substitution p.Leu1086Val. This variant was reported in an individual with Hypogonadotropic hypogonadism and overweight (Table 1, Kotan et al. 2021. PubMed ID: 33495532). This variant has not been reported in a large population database (gnomAD), indicating this variant is rare. At this time, the clinical significance of this variant is uncertain due to the absence of conclusive functional and genetic evidence.

Department of Pediatric Endocrinology, Cukurova University Medical Faculty
Classification: Uncertain significance for Hypogonadotropic hypogonadism with or without anosmia. Review status: criteria provided, single submitter. Criteria: ACMG Guidelines, 2015. Collection method: research. Allele origin: unknown. Inheritance: Autosomal dominant inheritance. Affected: yes. Observed: 1 hemizygote.